The following is an entry in ClinVar:

NM_000264.5(PTCH1):c.1136_1137del (p.Gly378_Tyr379insTer)

Gene: PTCH1 (patched 1; minus strand). Cytogenetic location: 9q22.32.
Variant type: Deletion.
Coding change: c.1136_1137del on transcript NM_000264.5 (MANE Select); coding-DNA positions 1136 to 1137, 2 bases deleted (AC; older notation c.1136_1137delAC).
Protein change: p.Gly378_Tyr379insTer.
Molecular consequence: nonsense. On other transcripts: non-coding transcript variant (1).
Genome position (GRCh38, 1-based): chr9:95,479,078-95,479,079, GT deleted on the plus strand (AC on the coding strand, the reverse complement: PTCH1 is on the minus strand). VCF-style (leftmost placement, unchanged base first): chr9-95479077-CGT-C. GRCh37 (hg19) VCF-style: chr9-98241359-CGT-C.
Other names: c.938_939del, p.Gly312_Tyr313insTer (NM_001083602.3); c.1133_1134del, p.Gly377_Tyr378insTer (NM_001083603.3); c.683_684del, p.Gly227_Tyr228insTer (NM_001083604.3, NM_001083605.3, NM_001083606.3 and 1 more transcripts); c.1136_1137del, p.Gly378_Tyr379insTer (NM_001354918.2).
Identifiers: ClinVar variation 3311131 (VCV003311131.1).
Genomic context (GRCh38, chr9:95,479,077, plus strand): 5'-GCCAGGCCTCCAGGATGGCTGCCGCTTTGTCCTCGTTCCAGTTGATGTGTGAGACATACT[CGT>C]ACCCCTTGAAGTGCTCGTACATTTGCTTGGGAGTCATTAACTGGAACATGGTCTGCAGGG-3'

ClinVar aggregate classification (germline): Pathogenic (1 of 4 stars; one submission).

Conditions:
Hereditary cancer-predisposing syndrome. Also called: Neoplastic Syndromes, Hereditary; Tumor predisposition; Hereditary neoplastic syndrome; Hereditary Cancer Syndrome. Identifiers: Orphanet 140162, MedGen C0027672, MeSH D009386, MONDO:0015356.

Submission:

Ambry Genetics
Classification: Pathogenic for Hereditary cancer-predisposing syndrome. Last evaluated: 2024-03-29. Review status: criteria provided, single submitter. Criteria: Ambry Variant Classification Scheme 2023. Collection method: clinical testing. Allele origin: germline.
Comment: The c.1136_1137delAC variant, located in coding exon 8 of the PTCH1 gene, results from a deletion of two nucleotides at nucleotide positions 1136 to 1137, causing a translational frameshift with a predicted alternate stop codon (p.Y379*). This variant has been observed in at least one individual with a personal and/or family history that is consistent with nevoid basal cell carcinoma syndrome (Prodinger PM et al. BMC Cancer, 2010 Jul;10:360). This variant is considered to be rare based on population cohorts in the Genome Aggregation Database (gnomAD). This alteration is expected to result in loss of function by premature protein truncation or nonsense-mediated mRNA decay. As such, this alteration is interpreted as a disease-causing mutation.

Literature cited by the submitters: PubMed 20609239.